The following is an entry in ClinVar:

ClinVar aggregate classification (germline): Uncertain significance. Review status: criteria provided, multiple submitters, no conflicts (2 of 4 stars). 2 submissions from 2 submitters: Uncertain significance (2). Last evaluated 2019-08-23.

Conditions:
Hereditary cancer-predisposing syndrome. Also called: Tumor predisposition; Neoplastic Syndromes, Hereditary; Hereditary neoplastic syndrome; Hereditary Cancer Syndrome. Identifiers: Orphanet 140162, MedGen C0027672, MeSH D009386, MONDO:0015356.
Ataxia-telangiectasia syndrome (AT). Also called: Ataxia-telangiectasia, complementation group D; AT, COMPLEMENTATION GROUP C; ATAXIA-TELANGIECTASIA, COMPLEMENTATION GROUP A; ATAXIA-TELANGIECTASIA, FRESNO VARIANT; Ataxia-telangiectasia; Ataxia telangiectasia (A-T). Identifiers: Orphanet 100, MedGen C0004135, MONDO:0008840, OMIM 208900.

Submissions (2):

Labcorp Genetics (formerly Invitae), Labcorp
Classification: Uncertain significance for Ataxia-telangiectasia syndrome. Last evaluated: 2019-08-23. Review status: criteria provided, single submitter. Criteria: Invitae Variant Classification Sherloc (09022015). Collection method: clinical testing. Allele origin: germline.
Comment: Algorithms developed to predict the effect of missense changes on protein structure and function are either unavailable or do not agree on the potential impact of this missense change (SIFT: "Deleterious"; PolyPhen-2: "Benign"; Align-GVGD: "Class C15"). This variant has not been reported in the literature in individuals with ATM-related conditions. This variant is not present in population databases (ExAC no frequency). This sequence change replaces glutamic acid with lysine at codon 2668 of the ATM protein (p.Glu2668Lys). The glutamic acid residue is moderately conserved and there is a small physicochemical difference between glutamic acid and lysine. In summary, the available evidence is currently insufficient to determine the role of this variant in disease. Therefore, it has been classified as a Variant of Uncertain Significance.

Color Diagnostics, LLC DBA Color Health
Classification: Uncertain significance for Hereditary cancer-predisposing syndrome. Last evaluated: 2019-02-13. Review status: criteria provided, single submitter. Criteria: ACMG Guidelines, 2015. Collection method: clinical testing. Allele origin: germline.

NM_000051.4(ATM):c.8002G>A (p.Glu2668Lys)

Genes: ATM (ATM serine/threonine kinase; plus strand), C11orf65 (chromosome 11 open reading frame 65; minus strand). Cytogenetic location: 11q22.3.
Variant type: single nucleotide variant.
Coding change: c.8002G>A on transcript NM_000051.4 (MANE Select); coding-DNA position 8002, G replaced by A.
Protein change: p.Glu2668Lys; replaces glutamic acid 2668 with lysine.
Molecular consequence: missense variant. On other transcripts: intron variant (2).
Genome position (GRCh38, 1-based): chr11:108,333,960, G>A. VCF-style: chr11-108333960-G-A. GRCh37 (hg19) VCF-style: chr11-108204687-G-A.
Other names: c.8002G>A, p.Glu2668Lys (NM_001351834.2); c.641-24889C>T (NM_001330368.2); c.*38+1260C>T (NM_001351110.2); short protein forms E2668K.
Identifiers: ClinVar variation 922596 (VCV000922596.12), dbSNP rs772097933, ClinGen allele CA382561799.